The following is an entry in ClinVar:

ClinVar aggregate classification (germline): Likely benign (0 of 4 stars; one submission).

Conditions:
FGF20-related disorder. Also called: FGF20-related condition.

Submission:

PreventionGenetics, part of Exact Sciences
Classification: Likely benign for FGF20-related condition. Last evaluated: 2022-05-02. Review status: no assertion criteria provided. Collection method: clinical testing. Allele origin: germline.
Comment: This variant is classified as likely benign based on ACMG/AMP sequence variant interpretation guidelines (Richards et al. 2015 PMID: 25741868, with internal and published modifications).

NM_019851.3(FGF20):c.186C>G (p.Gly62=)

Gene: FGF20 (fibroblast growth factor 20; minus strand). Cytogenetic location: 8p22.
Variant type: single nucleotide variant.
Coding change: c.186C>G on transcript NM_019851.3 (MANE Select); coding-DNA position 186, C replaced by G.
Protein change: p.Gly62=; no amino-acid change (glycine 62 retained).
Molecular consequence: synonymous variant.
Genome position (GRCh38, 1-based): chr8:17,001,847, G>C on the plus strand (C>G on the coding strand, the complement: FGF20 is on the minus strand). VCF-style: chr8-17001847-G-C. GRCh37 (hg19) VCF-style: chr8-16859356-G-C.
Identifiers: ClinVar variation 3056346 (VCV003056346.2), dbSNP rs1483812834, ClinGen allele CA459635003.